The following is an entry in ClinVar:

NM_000377.3(WAS):c.319T>C (p.Tyr107His)

Gene: WAS (WASP actin nucleation promoting factor; plus strand). Cytogenetic location: Xp11.23.
Variant type: single nucleotide variant.
Coding change: c.319T>C on transcript NM_000377.3 (MANE Select); coding-DNA position 319, T replaced by C.
Protein change: p.Tyr107His; replaces tyrosine 107 with histidine.
Molecular consequence: missense variant.
Genome position (GRCh38, 1-based): chrX:48,685,592, T>C. VCF-style: chrX-48685592-T-C. GRCh37 (hg19) VCF-style: chrX-48543981-T-C.
Other names: short protein forms Y107H.
Identifiers: ClinVar variation 2138569 (VCV002138569.4), dbSNP rs2519280195, ClinGen allele CA412867060.

ClinVar aggregate classification (germline): Pathogenic (1 of 4 stars; one submission).

Conditions:
Thrombocytopenia 1. Also called: THROMBOCYTOPENIA, X-LINKED, 1; X-linked thrombocytopenia with normal platelets; X-Linked Thrombocytopenia (XLT). Identifiers: Orphanet 268322, Orphanet 852, MedGen C1839163, MONDO:0010743, OMIM 313900.
Wiskott-Aldrich syndrome (WAS). Also called: Wiskott-aldrich syndrome, somatic; ALDRICH SYNDROME; IMMUNODEFICIENCY 2; WISKOTT-ALDRICH SYNDROME 1. Identifiers: Orphanet 906, MedGen C0043194, MONDO:0010518, OMIM 301000.
X-linked severe congenital neutropenia (SCNX). Identifiers: Orphanet 86788, MedGen C1845987, MONDO:0010294, OMIM 300299.

Submission:

Labcorp Genetics (formerly Invitae), Labcorp
Classification: Pathogenic for Wiskott-Aldrich syndrome; X-linked severe congenital neutropenia; Thrombocytopenia 1. Last evaluated: 2022-09-14. Review status: criteria provided, single submitter. Criteria: Invitae Variant Classification Sherloc (09022015). Collection method: clinical testing. Allele origin: germline.
Comment: This sequence change replaces tyrosine, which is neutral and polar, with histidine, which is basic and polar, at codon 107 of the WAS protein (p.Tyr107His). This variant is not present in population databases (gnomAD no frequency). This missense change has been observed in individuals with WAS-relatated conditions (PMID: 30549999; Invitae). It has also been observed to segregate with disease in related individuals. Advanced modeling of protein sequence and biophysical properties (such as structural, functional, and spatial information, amino acid conservation, physicochemical variation, residue mobility, and thermodynamic stability) performed at Invitae indicates that this missense variant is expected to disrupt WAS protein function. For these reasons, this variant has been classified as Pathogenic.

Literature cited by the submitters: PubMed 30549999.